The following is an entry in ClinVar:

NM_002519.3(NPAT):c.632G>C (p.Arg211Pro)

Gene: NPAT (nuclear protein, coactivator of histone transcription; minus strand). Cytogenetic location: 11q22.3.
Variant type: single nucleotide variant.
Coding change: c.632G>C on transcript NM_002519.3 (MANE Select); coding-DNA position 632, G replaced by C.
Protein change: p.Arg211Pro; replaces arginine 211 with proline.
Molecular consequence: missense variant.
Genome position (GRCh38, 1-based): chr11:108,188,104, C>G on the plus strand (G>C on the coding strand, the complement: NPAT is on the minus strand). VCF-style: chr11-108188104-C-G. GRCh37 (hg19) VCF-style: chr11-108058831-C-G.
Other names: c.632G>C, p.Arg211Pro (NM_001321307.1); short protein forms R211P.
Identifiers: ClinVar variation 1752897 (VCV001752897.2), dbSNP rs1362152111, ClinGen allele CA382522923.

ClinVar aggregate classification (germline): Uncertain significance (1 of 4 stars; one submission).

Submission:

Ambry Genetics
Classification: Uncertain significance. Last evaluated: 2021-08-09. Review status: criteria provided, single submitter. Criteria: Ambry Variant Classification Scheme 2023. Collection method: clinical testing. Allele origin: germline.
Comment: The p.R211P variant (also known as c.632G>C), located in coding exon 7 of the NPAT gene, results from a G to C substitution at nucleotide position 632. The arginine at codon 211 is replaced by proline, an amino acid with dissimilar properties. This amino acid position is conserved. In addition, the in silico prediction for this alteration is inconclusive. Since supporting evidence is limited at this time, the clinical significance of this alteration remains unclear.